The following is an entry in ClinVar:

NM_004973.4(JARID2):c.3558+7C>T

Gene: JARID2 (jumonji and AT-rich interaction domain containing 2; plus strand). Cytogenetic location: 6p22.3.
Variant type: single nucleotide variant.
Coding change: c.3558+7C>T on transcript NM_004973.4 (MANE Select); 7 bases into the intron after coding-DNA position 3558, C replaced by T.
Molecular consequence: intron variant.
Genome position (GRCh38, 1-based): chr6:15,517,275, C>T. VCF-style: chr6-15517275-C-T. GRCh37 (hg19) VCF-style: chr6-15517506-C-T.
Other names: c.3042+7C>T (NM_001267040.1).
Identifiers: ClinVar variation 738469 (VCV000738469.5), dbSNP rs371772910, ClinGen allele CA3643524.

ClinVar aggregate classification (germline): Likely benign. Review status: criteria provided, single submitter (1 of 4 stars). 2 submissions from 2 submitters: Likely benign (1). 1 of the submissions does not count toward it. Last evaluated 2017-12-13.

Conditions:
JARID2-related disorder. Also called: JARID2-related condition.

Allele frequency attached by ClinVar (database versions not stated): gnomAD 0.00011 and 0.00013; TOPMed 0.00014; ESP Exome Variant Server 0.00015; 1000 Genomes Project 30x 0.00016; 1000 Genomes Project 0.00020.
gnomAD v4.1: 32 of 1,603,038 alleles (0.002%); highest among the groups gnomAD compares: African/African-American, 0.039%; 1 homozygote.

Submissions (2):

Labcorp Genetics (formerly Invitae), Labcorp
Classification: Likely benign. Last evaluated: 2017-12-13. Review status: criteria provided, single submitter. Criteria: Invitae Variant Classification Sherloc (09022015). Collection method: clinical testing. Allele origin: germline.

PreventionGenetics, part of Exact Sciences
Classification: Likely benign for JARID2-related condition. Last evaluated: 2019-09-19. Review status: no assertion criteria provided. Collection method: clinical testing. Allele origin: germline. Not counted in ClinVar's aggregate classification.
Comment: This variant is classified as likely benign based on ACMG/AMP sequence variant interpretation guidelines (Richards et al. 2015 PMID: 25741868, with internal and published modifications).